The following is an entry in ClinVar:

ClinVar aggregate classification (germline): Conflicting classifications of pathogenicity. Review status: criteria provided, conflicting classifications (1 of 4 stars). 9 submissions from 9 submitters: Uncertain significance (1); Likely benign (8). Last evaluated 2026-05-05.

Conditions:
Autosomal recessive distal spinal muscular atrophy 1. Also called: HMN VI; NEURONOPATHY, SEVERE INFANTILE AXONAL, WITH RESPIRATORY FAILURE; SEVERE INFANTILE AXONAL NEUROPATHY WITH RESPIRATORY FAILURE; SPINAL MUSCULAR ATROPHY, DIAPHRAGMATIC; NEURONOPATHY, DISTAL HEREDITARY MOTOR, HARDING TYPE VI; NEUROPATHY, DISTAL HEREDITARY MOTOR, AUTOSOMAL RECESSIVE 1. Identifiers: Orphanet 98920, MedGen C1858517, MONDO:0011436, OMIM 604320.
Charcot-Marie-Tooth disease axonal type 2S. Also called: CHARCOT-MARIE-TOOTH DISEASE, AXONAL, AUTOSOMAL RECESSIVE, TYPE 2S; CHARCOT-MARIE-TOOTH NEUROPATHY, TYPE 2S. Identifiers: Orphanet 443073, MedGen C4015349, MONDO:0014511, OMIM 616155.
Charcot-Marie-Tooth disease. Also called: Charcot-Marie-Tooth Hereditary Neuropathy; Charcot-Marie-Tooth Neuropathy. Identifiers: Orphanet 166, MedGen C0007959, MONDO:0015626.
Inborn genetic diseases. Identifiers: MedGen C0950123, MeSH D030342.

Allele frequency attached by ClinVar (database versions not stated): gnomAD 0.00157 and 0.00145; TOPMed 0.00157; ExAC 0.00044; ESP Exome Variant Server 0.00113; 1000 Genomes Project 0.00140; 1000 Genomes Project 30x 0.00156; gnomAD exomes 0.00038.
gnomAD v4.1: 520 of 1,608,064 alleles (0.032%); highest among the groups gnomAD compares: African/African-American, 0.52%; 1 homozygote.

Submissions (9):

Women's Health and Genetics/Laboratory Corporation of America, LabCorp
Classification: Likely benign. Last evaluated: 2026-05-05. Review status: criteria provided, single submitter. Criteria: LabCorp Variant Classification Summary - May 2015. Collection method: clinical testing. Allele origin: germline.
Comment: Variant summary: IGHMBP2 c.2545G>A (p.Ala849Thr) results in a non-conservative amino acid change in the encoded protein sequence. Algorithms developed to predict the effect of missense changes on protein structure and function are either unavailable or do not agree on the potential impact of this missense change. The variant allele was found at a frequency of 0.00038 in 236244 control chromosomes, predominantly at a frequency of 0.0052 within the African or African-American subpopulation in the gnomAD database. The observed variant frequency within African or African-American control individuals in the gnomAD database exceeds the estimated maximal expected allele frequency for disease-causing variants in IGHMBP2. c.2545G>A has been observed in individual from an inherited peripheral neuropathy cohort (Antoniadi_2015). This report does not provide unequivocal conclusions about association of the variant with IGHMBP2-related conditions. To our knowledge, no experimental evidence demonstrating an impact on protein function has been reported. The following publication has been ascertained in the context of this evaluation (PMID: 26392352). ClinVar contains an entry for this variant (Variation ID: 258572). Based on the evidence outlined above, the variant was classified as likely benign.

Labcorp Genetics (formerly Invitae), Labcorp
Classification: Likely benign for Autosomal recessive distal spinal muscular atrophy 1; Charcot-Marie-Tooth disease axonal type 2S. Last evaluated: 2026-01-15. Review status: criteria provided, single submitter. Criteria: Invitae Variant Classification Sherloc (09022015). Collection method: clinical testing. Allele origin: germline.

Mayo Clinic Laboratories, Mayo Clinic
Classification: Uncertain significance. Last evaluated: 2022-09-14. Review status: criteria provided, single submitter. Criteria: ACMG Guidelines, 2015. Collection method: clinical testing. Allele origin: germline. Observed: 2 variant alleles.
Comment: BS1

GeneDx
Classification: Likely benign. Last evaluated: 2020-10-21. Review status: criteria provided, single submitter. Criteria: GeneDx Variant Classification Process June 2021. Collection method: clinical testing. Allele origin: germline. Affected: yes.

Ambry Genetics
Classification: Likely benign for Inborn genetic diseases. Last evaluated: 2019-10-31. Review status: criteria provided, single submitter. Criteria: Ambry Variant Classification Scheme 2023. Collection method: clinical testing. Allele origin: germline.

Illumina Laboratory Services, Illumina
Classification: Likely benign for Autosomal recessive distal spinal muscular atrophy 1. Last evaluated: 2018-01-12. Review status: criteria provided, single submitter. Criteria: ICSL Variant Classification Criteria 13 December 2019. Collection method: clinical testing. Allele origin: germline.
Comment: This variant was observed in the ICSL laboratory as part of a predisposition screen in an ostensibly healthy population. It had not been previously curated by ICSL or reported in the Human Gene Mutation Database (HGMD: prior to June 1st, 2018), and was therefore a candidate for classification through an automated scoring system. Utilizing variant allele frequency, disease prevalence and penetrance estimates, and inheritance mode, an automated score was calculated to assess if this variant is too frequent to cause the disease. Based on the score and internal cut-off values, a variant classified as likely benign is not then subjected to further curation. The score for this variant resulted in a classification of likely benign for this disease.

Breakthrough Genomics
Classification: Likely benign. Review status: criteria provided, single submitter. Criteria: ACMG Guidelines, 2015. Collection method: not provided. Allele origin: germline. Inheritance: Autosomal recessive inheritance. Affected: yes.

Molecular Genetics Laboratory, London Health Sciences Centre
Classification: Likely benign for Charcot-Marie-Tooth disease. Review status: criteria provided, single submitter. Criteria: ACMG Guidelines, 2015. Collection method: clinical testing. Allele origin: germline. Affected: yes.

PreventionGenetics, part of Exact Sciences
Classification: Likely benign. Review status: criteria provided, single submitter. Criteria: ACMG Guidelines, 2015. Collection method: clinical testing. Allele origin: germline.

Literature cited by the submitters: PubMed 26392352 (cited by Women's Health and Genetics/Laboratory Corporation of America, LabCorp).

NM_002180.3(IGHMBP2):c.2545G>A (p.Ala849Thr)

Gene: IGHMBP2 (immunoglobulin mu DNA binding protein 2; plus strand). Cytogenetic location: 11q13.3.
Variant type: single nucleotide variant.
Coding change: c.2545G>A on transcript NM_002180.3 (MANE Select); coding-DNA position 2545, G replaced by A.
Protein change: p.Ala849Thr; replaces alanine 849 with threonine.
Molecular consequence: missense variant.
Genome position (GRCh38, 1-based): chr11:68,937,025, G>A. VCF-style: chr11-68937025-G-A. GRCh37 (hg19) VCF-style: chr11-68704493-G-A.
Other names: p.Ala849Thr; short protein forms A849T.
Identifiers: ClinVar variation 258572 (VCV000258572.29), dbSNP rs2228208, ClinGen allele CA6153935.